The following is an entry in ClinVar:

NM_138713.4(NFAT5):c.2461G>C (p.Glu821Gln)

Gene: NFAT5 (nuclear factor of activated T cells 5; plus strand). Cytogenetic location: 16q22.1.
Variant type: single nucleotide variant.
Coding change: c.2461G>C on transcript NM_138713.4 (MANE Select); coding-DNA position 2461, G replaced by C.
Protein change: p.Glu821Gln; replaces glutamic acid 821 with glutamine.
Molecular consequence: missense variant.
Genome position (GRCh38, 1-based): chr16:69,692,286, G>C. VCF-style: chr16-69692286-G-C. GRCh37 (hg19) VCF-style: chr16-69726189-G-C.
Other names: c.2458G>C, p.Glu820Gln (NM_001113178.3); c.1786G>C, p.Glu596Gln (NM_001367709.1); c.2407G>C, p.Glu803Gln (NM_006599.4); c.2179G>C, p.Glu727Gln (NM_138714.4, NM_173214.3, NM_173215.3); short protein forms E727Q, E803Q, E821Q, E596Q, E820Q.
Identifiers: ClinVar variation 2096347 (VCV002096347.4), dbSNP rs772872180, ClinGen allele CA396509499.

ClinVar aggregate classification (germline): Uncertain significance (1 of 4 stars; one submission).

Conditions:
Immunodeficiency. Identifiers: MedGen C0021051, MONDO:0021094, HP:0002721.

Submission:

Labcorp Genetics (formerly Invitae), Labcorp
Classification: Uncertain significance for Immunodeficiency. Last evaluated: 2024-04-15. Review status: criteria provided, single submitter. Criteria: Invitae Variant Classification Sherloc (09022015). Collection method: clinical testing. Allele origin: germline.
Comment: This sequence change replaces glutamic acid, which is acidic and polar, with glutamine, which is neutral and polar, at codon 727 of the NFAT5 protein (p.Glu727Gln). This variant is not present in population databases (gnomAD no frequency). This variant has not been reported in the literature in individuals affected with NFAT5-related conditions. ClinVar contains an entry for this variant (Variation ID: 2096347). An algorithm developed to predict the effect of missense changes on protein structure and function (PolyPhen-2) suggests that this variant is likely to be disruptive. In summary, the available evidence is currently insufficient to determine the role of this variant in disease. Therefore, it has been classified as a Variant of Uncertain Significance.